The following is an entry in ClinVar:

NM_052988.5(CDK10):c.942C>T (p.Ala314=)

Gene: CDK10 (cyclin dependent kinase 10; plus strand). Cytogenetic location: 16q24.3.
Variant type: single nucleotide variant.
Coding change: c.942C>T on transcript NM_052988.5 (MANE Select); coding-DNA position 942, C replaced by T.
Protein change: p.Ala314=; no amino-acid change (alanine 314 retained).
Molecular consequence: synonymous variant. On other transcripts: non-coding transcript variant (2).
Genome position (GRCh38, 1-based): chr16:89,695,302, C>T. VCF-style: chr16-89695302-C-T. GRCh37 (hg19) VCF-style: chr16-89761710-C-T.
Other names: c.729C>T (NM_001160367.1); c.711C>T, p.Ala237= (NM_001098533.3); c.729C>T, p.Ala243= (NM_001160367.2, NM_052987.4).
Identifiers: ClinVar variation 2647130 (VCV002647130.26), dbSNP rs141126939, ClinGen allele CA8248262.

ClinVar aggregate classification (germline): Likely benign. Review status: criteria provided, multiple submitters, no conflicts (2 of 4 stars). 3 submissions from 3 submitters: Likely benign (2). 1 of the submissions does not count toward it. Last evaluated 2025-12-01.

Conditions:
CDK10-related disorder. Also called: CDK10-related condition.

Allele frequency attached by ClinVar (database versions not stated): TOPMed 0.00046; ExAC 0.00057; gnomAD 0.00070; ESP Exome Variant Server 0.00100.
gnomAD v4.1: 1,176 of 1,611,206 alleles (0.073%); highest among the groups gnomAD compares: Non-Finnish European, 0.079%; 2 homozygotes.

Submissions (3):

CeGaT Center for Human Genetics Tuebingen
Classification: Likely benign. Last evaluated: 2025-12-01. Review status: criteria provided, single submitter. Criteria: CeGaT Center For Human Genetics Tuebingen Variant Classification Criteria Version 2. Collection method: clinical testing. Allele origin: germline. Affected: yes. Observed: 2 variant alleles.
Comment: CDK10: BP4, BP7

Blueprint Genetics
Classification: Likely benign. Last evaluated: 2024-10-03. Review status: criteria provided, single submitter. Criteria: ACMG Guidelines, 2015. Collection method: clinical testing. Allele origin: germline.

PreventionGenetics, part of Exact Sciences
Classification: Likely benign for CDK10-related condition. Last evaluated: 2019-06-27. Review status: no assertion criteria provided. Collection method: clinical testing. Allele origin: germline. Not counted in ClinVar's aggregate classification.
Comment: This variant is classified as likely benign based on ACMG/AMP sequence variant interpretation guidelines (Richards et al. 2015 PMID: 25741868, with internal and published modifications).